The following is an entry in ClinVar:

NM_002230.4(JUP):c.568G>C (p.Val190Leu)

Gene: JUP (junction plakoglobin; minus strand). Cytogenetic location: 17q21.2.
Variant type: single nucleotide variant.
Coding change: c.568G>C on transcript NM_002230.4 (MANE Select); coding-DNA position 568, G replaced by C.
Protein change: p.Val190Leu; replaces valine 190 with leucine.
Molecular consequence: missense variant.
Genome position (GRCh38, 1-based): chr17:41,769,108, C>G on the plus strand (G>C on the coding strand, the complement: JUP is on the minus strand). VCF-style: chr17-41769108-C-G. GRCh37 (hg19) VCF-style: chr17-39925360-C-G.
Other names: c.568G>C, p.Val190Leu (NM_001352773.2, NM_001352774.2, NM_001352775.2 and 3 more transcripts); short protein forms V190L.
Identifiers: ClinVar variation 468757 (VCV000468757.11), dbSNP rs370143312, ClinGen allele CA8565444.

ClinVar aggregate classification (germline): Uncertain significance. Review status: criteria provided, multiple submitters, no conflicts (2 of 4 stars). 3 submissions from 3 submitters: Uncertain significance (3). Last evaluated 2023-05-17.

Conditions:
Naxos disease (NXD). Also called: KERATOSIS PALMOPLANTARIS WITH ARRHYTHMOGENIC CARDIOMYOPATHY; MAL DE NAXOS; PALMOPLANTAR KERATODERMA WITH ARRHYTHMOGENIC RIGHT VENTRICULAR CARDIOMYOPATHY AND WOOLLY HAIR; WOOLLY HAIR, PALMOPLANTAR KERATODERMA, AND CARDIAC ABNORMALITIES; CARDIOMYOPATHY, ARRHYTHMOGENIC RIGHT VENTRICULAR, WITH SKIN, HAIR, AND NAIL ABNORMALITIES. Identifiers: Orphanet 34217, MedGen C1832600, MONDO:0011017, OMIM 601214.
Arrhythmogenic right ventricular dysplasia 12. Also called: ARRHYTHMOGENIC RIGHT VENTRICULAR DYSPLASIA, FAMILIAL, 12. Identifiers: MedGen C1969081, MONDO:0012684, OMIM 611528.
Cardiovascular phenotype. Identifiers: MedGen CN230736.

gnomAD v4.1: 8 of 1,612,046 alleles (0.0005%); highest among the groups gnomAD compares: Non-Finnish European, 0.00068%; no homozygotes.

Submissions (3):

Ambry Genetics
Classification: Uncertain significance for Cardiovascular phenotype. Last evaluated: 2023-05-17. Review status: criteria provided, single submitter. Criteria: Ambry Variant Classification Scheme 2023. Collection method: clinical testing. Allele origin: germline.
Comment: The p.V190L variant (also known as c.568G>C), located in coding exon 3 of the JUP gene, results from a G to C substitution at nucleotide position 568. The valine at codon 190 is replaced by leucine, an amino acid with highly similar properties. This alteration has been reported in a sudden unexplained death cohort (Santori M et al. Arch Dis Child, 2015 Oct;100:952-6). This amino acid position is highly conserved in available vertebrate species. In addition, this alteration is predicted to be deleterious by in silico analysis. Since supporting evidence is limited at this time, the clinical significance of this alteration remains unclear.

Labcorp Genetics (formerly Invitae), Labcorp
Classification: Uncertain significance for Arrhythmogenic right ventricular dysplasia 12; Naxos disease. Last evaluated: 2022-11-04. Review status: criteria provided, single submitter. Criteria: Invitae Variant Classification Sherloc (09022015). Collection method: clinical testing. Allele origin: germline.
Comment: ClinVar contains an entry for this variant (Variation ID: 468757). This sequence change replaces valine, which is neutral and non-polar, with leucine, which is neutral and non-polar, at codon 190 of the JUP protein (p.Val190Leu). This variant is present in population databases (rs370143312, gnomAD 0.0009%). This variant has not been reported in the literature in individuals affected with JUP-related conditions. Algorithms developed to predict the effect of missense changes on protein structure and function (SIFT, PolyPhen-2, Align-GVGD) all suggest that this variant is likely to be tolerated. In summary, the available evidence is currently insufficient to determine the role of this variant in disease. Therefore, it has been classified as a Variant of Uncertain Significance.

Fulgent Genetics
Classification: Uncertain significance for Naxos disease; Arrhythmogenic right ventricular dysplasia 12. Last evaluated: 2021-08-25. Review status: criteria provided, single submitter. Criteria: ACMG Guidelines, 2015. Collection method: clinical testing. Allele origin: unknown.

Literature cited by the submitters: PubMed 26272908 (cited by Ambry Genetics).